The following is an entry in ClinVar:

NM_031372.4(HNRNPDL):c.277A>G (p.Ser93Gly)

Gene: HNRNPDL (heterogeneous nuclear ribonucleoprotein D like; minus strand). Cytogenetic location: 4q21.22.
Variant type: single nucleotide variant.
Coding change: c.277A>G on transcript NM_031372.4 (MANE Select); coding-DNA position 277, A replaced by G.
Protein change: p.Ser93Gly; replaces serine 93 with glycine.
Molecular consequence: missense variant. On other transcripts: non-coding transcript variant (1).
Genome position (GRCh38, 1-based): chr4:82,429,414, T>C on the plus strand (A>G on the coding strand, the complement: HNRNPDL is on the minus strand). VCF-style: chr4-82429414-T-C. GRCh37 (hg19) VCF-style: chr4-83350567-T-C.
Other names: c.277A>G, p.Ser93Gly (NM_001207000.1); short protein forms S93G.
Identifiers: ClinVar variation 863660 (VCV000863660.12), dbSNP rs368295854, ClinGen allele CA2985087.

ClinVar aggregate classification (germline): Uncertain significance. Review status: criteria provided, multiple submitters, no conflicts (2 of 4 stars). 2 submissions from 2 submitters: Uncertain significance (2). Last evaluated 2025-11-24.

Conditions:
Autosomal dominant limb-girdle muscular dystrophy type 1G (LGMDD3). Also called: MUSCULAR DYSTROPHY, LIMB-GIRDLE, AUTOSOMAL DOMINANT 3; Limb-girdle muscular dystrophy, type 1G. Identifiers: Orphanet 55596, MedGen C1836765, MONDO:0012193, OMIM 609115.

Allele frequency attached by ClinVar (database versions not stated): TOPMed 0.00003; ESP Exome Variant Server 0.00008.

Submissions (2):

Ambry Genetics
Classification: Uncertain significance. Last evaluated: 2025-11-24. Review status: criteria provided, single submitter. Criteria: Ambry Variant Classification Scheme 2023. Collection method: clinical testing. Allele origin: germline.

Labcorp Genetics (formerly Invitae), Labcorp
Classification: Uncertain significance for Autosomal dominant limb-girdle muscular dystrophy type 1G. Last evaluated: 2025-08-03. Review status: criteria provided, single submitter. Criteria: Invitae Variant Classification Sherloc (09022015). Collection method: clinical testing. Allele origin: germline.
Comment: This sequence change replaces serine, which is neutral and polar, with glycine, which is neutral and non-polar, at codon 93 of the HNRNPDL protein (p.Ser93Gly). This variant is present in population databases (rs368295854, gnomAD 0.008%). This variant has not been reported in the literature in individuals affected with HNRNPDL-related conditions. ClinVar contains an entry for this variant (Variation ID: 863660). An algorithm developed to predict the effect of missense changes on protein structure and function outputs the following: PolyPhen-2: "Benign". The glycine amino acid residue is found in multiple mammalian species, which suggests that this missense change does not adversely affect protein function. In summary, the available evidence is currently insufficient to determine the role of this variant in disease. Therefore, it has been classified as a Variant of Uncertain Significance.